The following is an entry in ClinVar:

NM_183050.4(BCKDHB):c.*121G>A

Gene: BCKDHB (branched chain keto acid dehydrogenase E1 subunit beta; plus strand). Cytogenetic location: 6q14.1.
Variant type: single nucleotide variant.
Coding change: c.*121G>A on transcript NM_183050.4 (MANE Select); 121 bases downstream of the stop codon, G replaced by A.
Molecular consequence: 3 prime UTR variant. On other transcripts: non-coding transcript variant (1), intron variant (1).
Genome position (GRCh38, 1-based): chr6:80,343,925, G>A. VCF-style: chr6-80343925-G-A. GRCh37 (hg19) VCF-style: chr6-81053642-G-A.
Other names: c.*121G>A (NM_001318975.1); c.*8+113G>A (NM_000056.5).
Identifiers: ClinVar variation 358174 (VCV000358174.10), dbSNP rs926733, ClinGen allele CA10624818.

ClinVar aggregate classification (germline): Benign. Review status: criteria provided, multiple submitters, no conflicts (2 of 4 stars). 3 submissions from 3 submitters: Benign (3). Last evaluated 2021-07-14.

Conditions:
Maple syrup urine disease (MSUD). Identifiers: Orphanet 511, MedGen C0024776, MeSH D008375, MONDO:0009563. Disease mechanism: loss of function.

Allele frequency attached by ClinVar (database versions not stated): 1000 Genomes Project 0.71506; 1000 Genomes Project 30x 0.71830; gnomAD 0.77743; TOPMed 0.77929.

Submissions (3):

Genome-Nilou Lab
Classification: Benign for Maple syrup urine disease type 1A. Last evaluated: 2021-07-14. Review status: criteria provided, single submitter. Criteria: ACMG Guidelines, 2015. Collection method: clinical testing. Allele origin: germline. Affected: no.

GeneDx
Classification: Benign. Last evaluated: 2018-06-23. Review status: criteria provided, single submitter. Criteria: GeneDx Variant Classification Process June 2021. Collection method: clinical testing. Allele origin: germline. Affected: yes.

Illumina Laboratory Services, Illumina
Classification: Benign for Maple syrup urine disease type 1A. Last evaluated: 2018-01-13. Review status: criteria provided, single submitter. Criteria: ICSL Variant Classification Criteria 13 December 2019. Collection method: clinical testing. Allele origin: germline.
Comment: This variant was observed in the ICSL laboratory as part of a predisposition screen in an ostensibly healthy population. It had not been previously curated by ICSL or reported in the Human Gene Mutation Database (HGMD: prior to June 1st, 2018), and was therefore a candidate for classification through an automated scoring system. Utilizing variant allele frequency, disease prevalence and penetrance estimates, and inheritance mode, an automated score was calculated to assess if this variant is too frequent to cause the disease. Based on the score and internal cut-off values, a variant classified as benign is not then subjected to further curation. The score for this variant resulted in a classification of benign for this disease.